The following is an entry in ClinVar:

ClinVar aggregate classification (germline): Uncertain significance (1 of 4 stars; one submission).

gnomAD v4.1: 1 of 1,614,096 alleles (0.000062%); highest among the groups gnomAD compares: Non-Finnish European, 0.000085%; no homozygotes.

Submission:

Labcorp Genetics (formerly Invitae), Labcorp
Classification: Uncertain significance. Last evaluated: 2021-10-08. Review status: criteria provided, single submitter. Criteria: Invitae Variant Classification Sherloc (09022015). Collection method: clinical testing. Allele origin: germline.
Comment: In summary, the available evidence is currently insufficient to determine the role of this variant in disease. Therefore, it has been classified as a Variant of Uncertain Significance. Algorithms developed to predict the effect of missense changes on protein structure and function are either unavailable or do not agree on the potential impact of this missense change (SIFT: "Deleterious"; PolyPhen-2: "Benign"; Align-GVGD: "Class C0"). This variant has not been reported in the literature in individuals affected with DNAH9-related conditions. This variant is not present in population databases (ExAC no frequency). This sequence change replaces isoleucine with asparagine at codon 1148 of the DNAH9 protein (p.Ile1148Asn). The isoleucine residue is weakly conserved and there is a large physicochemical difference between isoleucine and asparagine.

NM_001372.4(DNAH9):c.3443T>A (p.Ile1148Asn)

Gene: DNAH9 (dynein axonemal heavy chain 9; plus strand). Cytogenetic location: 17p12.
Variant type: single nucleotide variant.
Coding change: c.3443T>A on transcript NM_001372.4 (MANE Select); coding-DNA position 3443, T replaced by A.
Protein change: p.Ile1148Asn; replaces isoleucine 1148 with asparagine.
Molecular consequence: missense variant.
Genome position (GRCh38, 1-based): chr17:11,679,846, T>A. VCF-style: chr17-11679846-T-A. GRCh37 (hg19) VCF-style: chr17-11583163-T-A.
Other names: short protein forms I1148N.
Identifiers: ClinVar variation 1495186 (VCV001495186.6), dbSNP rs2150740428, ClinGen allele CA398183720.
Genomic context (GRCh38, chr17:11,679,846, plus strand): 5'-AGAGTGAGAGCGGCTTACTCAAGAAAGTTGAAAAAGGAGATTTCCAAGGCTTGGTTGAGA[T>A]CATGGGACACCTTATGGCTGTTAAAGAACGGCAGAGTAACACTGATGAGATGTTTGAGCC-3'
Protein context (NP_001363.2, residues 1138-1158): EKGDFQGLVE[Ile1148Asn]MGHLMAVKER